The following is an entry in ClinVar:

NM_000199.5(SGSH):c.598G>T (p.Gly200Ter)

Gene: SGSH (N-sulfoglucosamine sulfohydrolase; minus strand). Cytogenetic location: 17q25.3.
Variant type: single nucleotide variant.
Coding change: c.598G>T on transcript NM_000199.5 (MANE Select); coding-DNA position 598, G replaced by T.
Protein change: p.Gly200Ter; replaces glycine 200 with a stop codon.
Molecular consequence: nonsense. On other transcripts: non-coding transcript variant (1).
Genome position (GRCh38, 1-based): chr17:80,214,237, C>A on the plus strand (G>T on the coding strand, the complement: SGSH is on the minus strand). VCF-style: chr17-80214237-C-A. GRCh37 (hg19) VCF-style: chr17-78188036-C-A.
Other names: c.598G>T, p.Gly200Ter (NM_001352921.3, NM_001352922.2); short protein forms G200*.
Identifiers: ClinVar variation 2847131 (VCV002847131.4), dbSNP rs767834681, ClinGen allele CA401361948.

ClinVar aggregate classification (germline): Pathogenic (1 of 4 stars; one submission).

Conditions:
Mucopolysaccharidosis, MPS-III-A (MPS3A). Also called: Mucopolysaccharidosis type IIIA (Sanfilippo A); Mucopolysaccharidosis, type IIIA; mucopolysaccharidosis type 3A; MPS IIIA (Sanfilippo Syndrome Type A); HEPARAN SULFATE SULFATASE DEFICIENCY; SANFILIPPO SYNDROME A. Identifiers: Orphanet 581, Orphanet 79269, MedGen C0086647, MONDO:0009655, OMIM 252900.

Submission:

Labcorp Genetics (formerly Invitae), Labcorp
Classification: Pathogenic for Mucopolysaccharidosis, MPS-III-A. Last evaluated: 2025-07-04. Review status: criteria provided, single submitter. Criteria: Invitae Variant Classification Sherloc (09022015). Collection method: clinical testing. Allele origin: germline.
Comment: This sequence change creates a premature translational stop signal (p.Gly200*) in the SGSH gene. It is expected to result in an absent or disrupted protein product. Loss-of-function variants in SGSH are known to be pathogenic (PMID: 11182930, 21204211, 22976768). This variant is not present in population databases (gnomAD no frequency). This variant has not been reported in the literature in individuals affected with SGSH-related conditions. ClinVar contains an entry for this variant (Variation ID: 2847131). For these reasons, this variant has been classified as Pathogenic.

Literature cited by the submitters: PubMed 11182930; PubMed 21204211; PubMed 22976768.